The following is an entry in ClinVar:

ClinVar aggregate classification (germline): Conflicting classifications of pathogenicity. Review status: criteria provided, conflicting classifications (1 of 4 stars). 6 submissions from 6 submitters: Uncertain significance (4); Likely benign (1). 1 of the submissions does not count toward it. Last evaluated 2026-09-14.

Conditions:
ATM-related cancer predisposition. Also called: ATM-related cancer susceptibility. Identifiers: MedGen CN377759, MONDO:0700270.
Hereditary cancer-predisposing syndrome. Also called: Neoplastic Syndromes, Hereditary; Hereditary Cancer Syndrome; Tumor predisposition; Hereditary neoplastic syndrome. Identifiers: Orphanet 140162, MedGen C0027672, MeSH D009386, MONDO:0015356.
Ataxia-telangiectasia syndrome (AT). Also called: LOUIS-BAR SYNDROME; Cerebello-oculocutaneous telangiectasia; Immunodeficiency with ataxia telangiectasia; Ataxia-telangiectasia, complementation group D; AT, COMPLEMENTATION GROUP C; Ataxia-telangiectasia, complementation group E. Identifiers: Orphanet 100, MedGen C0004135, MONDO:0008840, OMIM 208900.

Allele frequency attached by ClinVar (database versions not stated): TOPMed below 0.00001.

Submissions (6):

Hema, HEMA – Genetic and Molecular Diagnostic Laboratory
Classification: Uncertain significance for ATM-related cancer predisposition. Last evaluated: 2026-09-14. Review status: criteria provided, single submitter. Criteria: HEMA Variant Classification Assertion Criteria. Collection method: clinical testing. Allele origin: germline.
Comment: It is a transition from guanine to adenine, which results in the substitution of serine 1966 of the ATM protein with asparagine. PM2_Supporting: Absent in the gnomAD database. BP4: The computational meta-predictor REVEL score = 0.070 ≤ 0.249, indicating that the variant is not likely to have an effect on the ATM protein.

Labcorp Genetics (formerly Invitae), Labcorp
Classification: Uncertain significance for Ataxia-telangiectasia syndrome. Last evaluated: 2025-07-31. Review status: criteria provided, single submitter. Criteria: Invitae Variant Classification Sherloc (09022015). Collection method: clinical testing. Allele origin: germline.
Comment: This sequence change replaces serine, which is neutral and polar, with asparagine, which is neutral and polar, at codon 1966 of the ATM protein (p.Ser1966Asn). This variant is not present in population databases (gnomAD no frequency). This variant has not been reported in the literature in individuals affected with ATM-related conditions. ClinVar contains an entry for this variant (Variation ID: 490628). Invitae Evidence Modeling of protein sequence and biophysical properties (such as structural, functional, and spatial information, amino acid conservation, physicochemical variation, residue mobility, and thermodynamic stability) indicates that this missense variant is not expected to disrupt ATM protein function with a negative predictive value of 95%. In summary, the available evidence is currently insufficient to determine the role of this variant in disease. Therefore, it has been classified as a Variant of Uncertain Significance.

Color Diagnostics, LLC DBA Color Health
Classification: Uncertain significance for Hereditary cancer-predisposing syndrome. Last evaluated: 2024-03-06. Review status: criteria provided, single submitter. Criteria: ACMG Guidelines, 2015. Collection method: clinical testing. Allele origin: germline.
Comment: This missense variant replaces serine with asparagine at codon 1966 of the ATM protein. Computational prediction suggests that this variant may not impact protein structure and function (internally defined REVEL score threshold <= 0.5, PMID: 27666373). To our knowledge, functional studies have not been reported for this variant. This variant has not been reported in individuals affected with hereditary cancer in the literature. This variant has not been identified in the general population by the Genome Aggregation Database (gnomAD). The available evidence is insufficient to determine the role of this variant in disease conclusively. Therefore, this variant is classified as a Variant of Uncertain Significance.

Ambry Genetics
Classification: Likely benign for Hereditary cancer-predisposing syndrome. Last evaluated: 2022-06-22. Review status: criteria provided, single submitter. Criteria: Ambry Variant Classification Scheme 2023. Collection method: clinical testing. Allele origin: germline.

Sema4
Classification: Uncertain significance for Hereditary cancer-predisposing syndrome. Last evaluated: 2021-09-29. Review status: criteria provided, single submitter. Criteria: Sema4 Curation Guidelines. Collection method: curation. Allele origin: germline.
Comment: The ATM c.5897G>A (p.S1966N) variant has not been reported in the literature to our knowledge. It was not observed in the large and broad cohorts of the Genome Aggregation Database (PMID: 32461654). The variant has been reported in ClinVar (Variation ID 490628). In silico tools suggest the impact of the variant on protein function is benign, though these predictions have not been confirmed by functional studies. The evidence is insufficient to meet ACMG/AMP criteria for classifying the variant as benign or pathogenic. Thus, the clinical significance of this variant is currently uncertain.

Natera, Inc.
Classification: Uncertain significance for Ataxia-telangiectasia. Last evaluated: 2021-04-28. Review status: no assertion criteria provided. Collection method: clinical testing. Allele origin: germline. Not counted in ClinVar's aggregate classification.

NM_000051.4(ATM):c.5897G>A (p.Ser1966Asn)

Genes: C11orf65 (chromosome 11 open reading frame 65; minus strand), ATM (ATM serine/threonine kinase; plus strand). Cytogenetic location: 11q22.3.
Variant type: single nucleotide variant.
Coding change: c.5897G>A on transcript NM_000051.4 (MANE Select); coding-DNA position 5897, G replaced by A.
Protein change: p.Ser1966Asn; replaces serine 1966 with asparagine.
Molecular consequence: missense variant. On other transcripts: intron variant (2).
Genome position (GRCh38, 1-based): chr11:108,310,294, G>A. VCF-style: chr11-108310294-G-A. GRCh37 (hg19) VCF-style: chr11-108181021-G-A.
Other names: c.5897G>A, p.Ser1966Asn (NM_001351834.2); c.641-1223C>T (NM_001330368.2); c.*39-1223C>T (NM_001351110.2); short protein forms S1966N.
Identifiers: ClinVar variation 490628 (VCV000490628.29), dbSNP rs1555110520, ClinGen allele CA382548560.